The following is an entry in ClinVar:

ClinVar aggregate classification (germline): Uncertain significance. Review status: criteria provided, multiple submitters, no conflicts (2 of 4 stars). 2 submissions from 2 submitters: Uncertain significance (2). Last evaluated 2025-12-08.

Conditions:
Inborn genetic diseases. Identifiers: MedGen C0950123, MeSH D030342.

gnomAD v4.1: 38 of 1,599,050 alleles (0.0024%); highest among the groups gnomAD compares: African/African-American, 0.045%; no homozygotes.

Submissions (2):

Ambry Genetics
Classification: Uncertain significance for Inborn genetic diseases. Last evaluated: 2025-12-08. Review status: criteria provided, single submitter. Criteria: Ambry Variant Classification Scheme 2023. Collection method: clinical testing. Allele origin: germline.

Labcorp Genetics (formerly Invitae), Labcorp
Classification: Uncertain significance. Last evaluated: 2021-09-02. Review status: criteria provided, single submitter. Criteria: Invitae Variant Classification Sherloc (09022015). Collection method: clinical testing. Allele origin: germline.
Comment: This sequence change replaces glutamic acid with aspartic acid at codon 102 of the NKX3-2 protein (p.Glu102Asp). The glutamic acid residue is moderately conserved and there is a small physicochemical difference between glutamic acid and aspartic acid. This variant is present in population databases (rs771586473, ExAC 0.1%). This variant has not been reported in the literature in individuals affected with NKX3-2-related conditions. Algorithms developed to predict the effect of missense changes on protein structure and function (SIFT, PolyPhen-2, Align-GVGD) all suggest that this variant is likely to be tolerated. In summary, the available evidence is currently insufficient to determine the role of this variant in disease. Therefore, it has been classified as a Variant of Uncertain Significance.

NM_001189.4(NKX3-2):c.306G>T (p.Glu102Asp)

Gene: NKX3-2 (NK3 homeobox 2; minus strand). Cytogenetic location: 4p15.33.
Variant type: single nucleotide variant.
Coding change: c.306G>T on transcript NM_001189.4 (MANE Select); coding-DNA position 306, G replaced by T.
Protein change: p.Glu102Asp; replaces glutamic acid 102 with aspartic acid.
Molecular consequence: missense variant.
Genome position (GRCh38, 1-based): chr4:13,544,109, C>A on the plus strand (G>T on the coding strand, the complement: NKX3-2 is on the minus strand). VCF-style: chr4-13544109-C-A. GRCh37 (hg19) VCF-style: chr4-13545733-C-A.
Other names: c.306G>T (NM_001189.3); short protein forms E102D.
Identifiers: ClinVar variation 1383107 (VCV001383107.7), dbSNP rs771586473, ClinGen allele CA2860433.